The following is an entry in ClinVar:

ClinVar aggregate classification (germline): Uncertain significance (1 of 4 stars; one submission).

Conditions:
Cardiovascular phenotype. Identifiers: MedGen CN230736.

Allele frequency attached by ClinVar (database versions not stated): ExAC 0.00010.
gnomAD v4.1: 51 of 1,553,990 alleles (0.0033%); highest among the groups gnomAD compares: South Asian, 0.021%; no homozygotes.

Submission:

Ambry Genetics
Classification: Uncertain significance for Cardiovascular phenotype. Last evaluated: 2025-11-07. Review status: criteria provided, single submitter. Criteria: Ambry Variant Classification Scheme 2023. Collection method: clinical testing. Allele origin: germline.
Comment: The p.R227Q variant (also known as c.680G>A), located in coding exon 5 of the LMF1 gene, results from a G to A substitution at nucleotide position 680. The arginine at codon 227 is replaced by glutamine, an amino acid with highly similar properties. This amino acid position is conserved. In addition, the in silico prediction for this alteration is inconclusive. Since supporting evidence is limited at this time, the clinical significance of this alteration remains unclear.

NM_022773.4(LMF1):c.680G>A (p.Arg227Gln)

Gene: LMF1 (lipase maturation factor 1; minus strand). Cytogenetic location: 16p13.3.
Variant type: single nucleotide variant.
Coding change: c.680G>A on transcript NM_022773.4 (MANE Select); coding-DNA position 680, G replaced by A.
Protein change: p.Arg227Gln; replaces arginine 227 with glutamine.
Molecular consequence: missense variant. On other transcripts: non-coding transcript variant (1).
Genome position (GRCh38, 1-based): chr16:893,056, C>T on the plus strand (G>A on the coding strand, the complement: LMF1 is on the minus strand). VCF-style: chr16-893056-C-T. GRCh37 (hg19) VCF-style: chr16-943056-C-T.
Other names: c.281G>A, p.Arg94Gln (NM_001352018.2); c.353G>A, p.Arg118Gln (NM_001352019.2); c.680G>A, p.Arg227Gln (NM_001352020.1); c.29G>A, p.Arg10Gln (NM_001352021.2, NM_001352017.2); short protein forms R118Q, R10Q, R94Q, R227Q.
Identifiers: ClinVar variation 2566293 (VCV002566293.3), dbSNP rs776718553, ClinGen allele CA7797413.